The following is an entry in ClinVar:

NM_017780.4(CHD7):c.1037_1046del (p.Arg346fs)

Gene: CHD7 (chromodomain helicase DNA binding protein 7; plus strand). Cytogenetic location: 8q12.2.
Variant type: Deletion.
Coding change: c.1037_1046del on transcript NM_017780.4 (MANE Select); coding-DNA positions 1037 to 1046, 10 bases deleted (GATACCCCAA; older notation c.1037_1046delGATACCCCAA).
Protein change: p.Arg346fs; shifts the reading frame from arginine 346.
Molecular consequence: frameshift variant.
Genome position (GRCh38, 1-based): chr8:60,742,469-60,742,478, GATACCCCAA deleted; deleting any 10 consecutive bases within chr8:60,742,465-60,742,478 gives the same sequence; the c. name uses the placement nearest the transcript's 3' end. VCF-style (leftmost placement, unchanged base first): chr8-60742464-ACCAAGATACC-A. GRCh37 (hg19) VCF-style: chr8-61655023-ACCAAGATACC-A.
Other names: c.1037_1046del, p.Arg346fs (NM_001316690.1); short protein forms R346fs.
Identifiers: ClinVar variation 2711266 (VCV002711266.3), dbSNP rs2487274727, ClinGen allele CA2697549943.
Genomic context (GRCh38, chr8:60,742,464, plus strand): 5'-CAATACAGGGATGAATCAAAATTTAGGCCTTACAAATAATACTCCAATGAATCAGTCCGT[ACCAAGATACC>A]CCAATGCTGTAGGATTCCCATCAAACAGTGGTCAAGGACTAATGCACCAGCAGCCCATCC-3'

ClinVar aggregate classification (germline): Pathogenic (1 of 4 stars; one submission).

Conditions:
CHARGE syndrome (CHARGE). Also called: Hittner Hirsch Kreh syndrome; CHARGE ASSOCIATION--COLOBOMA, HEART ANOMALY, CHOANAL ATRESIA, RETARDATION, GENITAL AND EAR ANOMALIES; Coloboma, heart anomaly, choanal atresia, retardation, genital and ear anomalies; CHARGE association; Hall-Hittner syndrome. Identifiers: Orphanet 138, MedGen C0265354, MONDO:0008965.

Submission:

Labcorp Genetics (formerly Invitae), Labcorp
Classification: Pathogenic for CHARGE syndrome. Last evaluated: 2024-01-25. Review status: criteria provided, single submitter. Criteria: Invitae Variant Classification Sherloc (09022015). Collection method: clinical testing. Allele origin: germline.
Comment: This sequence change creates a premature translational stop signal (p.Arg346Metfs*3) in the CHD7 gene. It is expected to result in an absent or disrupted protein product. Loss-of-function variants in CHD7 are known to be pathogenic (PMID: 22461308, 25077900). This variant is not present in population databases (gnomAD no frequency). This variant has not been reported in the literature in individuals affected with CHD7-related conditions. For these reasons, this variant has been classified as Pathogenic.

Literature cited by the submitters: PubMed 22461308; PubMed 25077900.